The following is an entry in ClinVar:

ClinVar aggregate classification (germline): Uncertain significance (1 of 4 stars; one submission).

Submission:

Labcorp Genetics (formerly Invitae), Labcorp
Classification: Uncertain significance. Last evaluated: 2023-10-24. Review status: criteria provided, single submitter. Criteria: Invitae Variant Classification Sherloc (09022015). Collection method: clinical testing. Allele origin: germline.
Comment: This sequence change replaces valine, which is neutral and non-polar, with leucine, which is neutral and non-polar, at codon 357 of the TCF3 protein (p.Val357Leu). This variant is not present in population databases (gnomAD no frequency). This variant has not been reported in the literature in individuals affected with TCF3-related conditions. Advanced modeling of protein sequence and biophysical properties (such as structural, functional, and spatial information, amino acid conservation, physicochemical variation, residue mobility, and thermodynamic stability) performed at Invitae indicates that this missense variant is expected to disrupt TCF3 protein function with a positive predictive value of 80%. In summary, the available evidence is currently insufficient to determine the role of this variant in disease. Therefore, it has been classified as a Variant of Uncertain Significance.

NM_003200.5(TCF3):c.1069G>T (p.Val357Leu)

Gene: TCF3 (transcription factor 3; minus strand). Cytogenetic location: 19p13.3.
Variant type: single nucleotide variant.
Coding change: c.1069G>T on transcript NM_003200.5 (MANE Select); coding-DNA position 1069, G replaced by T.
Protein change: p.Val357Leu; replaces valine 357 with leucine.
Molecular consequence: missense variant.
Genome position (GRCh38, 1-based): chr19:1,620,992, C>A on the plus strand (G>T on the coding strand, the complement: TCF3 is on the minus strand). VCF-style: chr19-1620992-C-A. GRCh37 (hg19) VCF-style: chr19-1620991-C-A.
Other names: c.1069G>T, p.Val357Leu (NM_001136139.4, NM_001351778.2, NM_001351779.2); short protein forms V357L.
Identifiers: ClinVar variation 2803561 (VCV002803561.3), dbSNP rs762619225, ClinGen allele CA403054086.
Genomic context (GRCh38, chr19:1,620,992, plus strand): 5'-ACCTCAGCCTCCCCTCCCCCCAAAACCCTCACAGACCTGCCAGGCCCTGGGGGGAGCCCA[C>A]GGGGGTAGAAGGGCTGGACGAGAAGTTATTGCTTGAGTGATCCGGGGAGTAGATCTGCGA-3'
Protein context (NP_003191.1, residues 347-367): NNFSSSPSTP[Val357Leu]GSPQGLAGTS